The following is an entry in ClinVar:

NM_015702.3(MMADHC):c.212G>A (p.Arg71Lys)

Gene: MMADHC (metabolism of cobalamin associated D; minus strand). Cytogenetic location: 2q23.2.
Variant type: single nucleotide variant.
Coding change: c.212G>A on transcript NM_015702.3 (MANE Select); coding-DNA position 212, G replaced by A.
Protein change: p.Arg71Lys; replaces arginine 71 with lysine.
Molecular consequence: missense variant.
Genome position (GRCh38, 1-based): chr2:149,579,591, C>T on the plus strand (G>A on the coding strand, the complement: MMADHC is on the minus strand). VCF-style: chr2-149579591-C-T. GRCh37 (hg19) VCF-style: chr2-150436105-C-T.
Other names: short protein forms R71K.
Identifiers: ClinVar variation 4798880 (VCV004798880.1).

ClinVar aggregate classification (germline): Uncertain significance (1 of 4 stars; one submission).

Conditions:
Methylmalonic aciduria and homocystinuria type cblD (MAHCD). Also called: Methylmalonic aciduria with homocystinuria cblD type; METHYLMALONIC ACIDEMIA, cblH TYPE. Identifiers: Orphanet 622, Orphanet 79283, MedGen C1848552, MONDO:0010185, OMIM 277410.

Submission:

Labcorp Genetics (formerly Invitae), Labcorp
Classification: Uncertain significance for Methylmalonic aciduria and homocystinuria type cblD. Last evaluated: 2025-07-31. Review status: criteria provided, single submitter. Criteria: Invitae Variant Classification Sherloc (09022015). Collection method: clinical testing. Allele origin: germline.
Comment: This sequence change replaces arginine, which is basic and polar, with lysine, which is basic and polar, at codon 71 of the MMADHC protein (p.Arg71Lys). This variant is not present in population databases (gnomAD no frequency). This variant has not been reported in the literature in individuals affected with MMADHC-related conditions. Invitae Evidence Modeling of protein sequence and biophysical properties (such as structural, functional, and spatial information, amino acid conservation, physicochemical variation, residue mobility, and thermodynamic stability) indicates that this missense variant is not expected to disrupt MMADHC protein function with a negative predictive value of 80%. In summary, the available evidence is currently insufficient to determine the role of this variant in disease. Therefore, it has been classified as a Variant of Uncertain Significance.